The following is an entry in ClinVar:

ClinVar aggregate classification (germline): Uncertain significance (1 of 4 stars; one submission).

Conditions:
Perlman syndrome (PRLMNS). Identifiers: Orphanet 2849, MedGen C0796113, MONDO:0009965, OMIM 267000.

Allele frequency attached by ClinVar (database versions not stated): gnomAD exomes below 0.00001; ExAC 0.00001.
gnomAD v4.1: 2 of 1,614,192 alleles (0.00012%); highest among the groups gnomAD compares: Admixed American, 0.0033%; no homozygotes.

Submission:

Labcorp Genetics (formerly Invitae), Labcorp
Classification: Uncertain significance for Perlman syndrome. Last evaluated: 2025-10-01. Review status: criteria provided, single submitter. Criteria: Invitae Variant Classification Sherloc (09022015). Collection method: clinical testing. Allele origin: germline.
Comment: This sequence change replaces glutamic acid, which is acidic and polar, with lysine, which is basic and polar, at codon 502 of the DIS3L2 protein (p.Glu502Lys). This variant is present in population databases (rs747085764, gnomAD 0.003%). This variant has not been reported in the literature in individuals affected with DIS3L2-related conditions. ClinVar contains an entry for this variant (Variation ID: 999920). Invitae Evidence Modeling of protein sequence and biophysical properties (such as structural, functional, and spatial information, amino acid conservation, physicochemical variation, residue mobility, and thermodynamic stability) indicates that this missense variant is not expected to disrupt DIS3L2 protein function with a negative predictive value of 80%. In summary, the available evidence is currently insufficient to determine the role of this variant in disease. Therefore, it has been classified as a Variant of Uncertain Significance.

NM_152383.5(DIS3L2):c.1504G>A (p.Glu502Lys)

Gene: DIS3L2 (DIS3 like 3'-5' exoribonuclease 2; plus strand). Cytogenetic location: 2q37.1.
Variant type: single nucleotide variant.
Coding change: c.1504G>A on transcript NM_152383.5 (MANE Select); coding-DNA position 1504, G replaced by A.
Protein change: p.Glu502Lys; replaces glutamic acid 502 with lysine.
Molecular consequence: missense variant. On other transcripts: non-coding transcript variant (2).
Genome position (GRCh38, 1-based): chr2:232,263,285, G>A. VCF-style: chr2-232263285-G-A. GRCh37 (hg19) VCF-style: chr2-233127995-G-A.
Other names: c.1504G>A, p.Glu502Lys (NM_001257281.2); short protein forms E502K.
Identifiers: ClinVar variation 999920 (VCV000999920.6), dbSNP rs747085764, ClinGen allele CA2164173.
Genomic context (GRCh38, chr2:232,263,285, plus strand): 5'-GGCCGGACCATCATCCGCTCCTGCACCAAACTTAGCTACGAGCATGCACAGAGCATGATT[G>A]AAAGCCCAACTGAGAAAATCCCTGCGAAAGAGCTGCCCCCCATTTCCCCAGAGCATAGCA-3'
Protein context (NP_689596.4, residues 492-512): LSYEHAQSMI[Glu502Lys]SPTEKIPAKE